The following is an entry in ClinVar:

NM_178822.5(IGSF10):c.1910C>T (p.Pro637Leu)

Gene: IGSF10 (immunoglobulin superfamily member 10; minus strand). Cytogenetic location: 3q25.1.
Variant type: single nucleotide variant.
Coding change: c.1910C>T on transcript NM_178822.5 (MANE Select); coding-DNA position 1910, C replaced by T.
Protein change: p.Pro637Leu; replaces proline 637 with leucine.
Molecular consequence: missense variant.
Genome position (GRCh38, 1-based): chr3:151,448,071, G>A on the plus strand (C>T on the coding strand, the complement: IGSF10 is on the minus strand). VCF-style: chr3-151448071-G-A. GRCh37 (hg19) VCF-style: chr3-151165859-G-A.
Other names: c.1910C>T, p.Pro637Leu (NM_001385060.1, NM_001385061.1, NM_001385062.1 and 1 more transcripts); short protein forms P637L.
Identifiers: ClinVar variation 4799558 (VCV004799558.1).

ClinVar aggregate classification (germline): Uncertain significance (1 of 4 stars; one submission).

gnomAD v4.1: 506 of 1,614,096 alleles (0.031%); highest among the groups gnomAD compares: Non-Finnish European, 0.039%; no homozygotes.

Submission:

Labcorp Genetics (formerly Invitae), Labcorp
Classification: Uncertain significance. Last evaluated: 2025-11-19. Review status: criteria provided, single submitter. Criteria: Invitae Variant Classification Sherloc (09022015). Collection method: clinical testing. Allele origin: germline.
Comment: This sequence change replaces proline, which is neutral and non-polar, with leucine, which is neutral and non-polar, at codon 637 of the IGSF10 protein (p.Pro637Leu). This variant is present in population databases (rs139929611, gnomAD 0.03%). This variant has not been reported in the literature in individuals affected with IGSF10-related conditions. An algorithm developed to predict the effect of missense changes on protein structure and function outputs the following: PolyPhen-2: "Benign". The leucine amino acid residue is found in multiple mammalian species, which suggests that this missense change does not adversely affect protein function. In summary, the available evidence is currently insufficient to determine the role of this variant in disease. Therefore, it has been classified as a Variant of Uncertain Significance.